The following is an entry in ClinVar:

NM_004064.5(CDKN1B):c.382A>C (p.Thr128Pro)

Gene: CDKN1B (cyclin dependent kinase inhibitor 1B; plus strand). Cytogenetic location: 12p13.1.
Variant type: single nucleotide variant.
Coding change: c.382A>C on transcript NM_004064.5 (MANE Select); coding-DNA position 382, A replaced by C.
Protein change: p.Thr128Pro; replaces threonine 128 with proline.
Molecular consequence: missense variant.
Genome position (GRCh38, 1-based): chr12:12,718,221, A>C. VCF-style: chr12-12718221-A-C. GRCh37 (hg19) VCF-style: chr12-12871155-A-C.
Other names: short protein forms T128P.
Identifiers: ClinVar variation 1735324 (VCV001735324.2), dbSNP rs2136356353, ClinGen allele CA383970534.
Genomic context (GRCh38, chr12:12,718,221, plus strand): 5'-GATGTCAGCGGGAGCCGCCCGGCGGCGCCTTTAATTGGGGCTCCGGCTAACTCTGAGGAC[A>C]CGCATTTGGTGGACCCAAAGACTGATCCGTCGGACAGCCAGACGGGGTTAGCGGAGCAAT-3'
Protein context (NP_004055.1, residues 118-138): LIGAPANSED[Thr128Pro]HLVDPKTDPS

ClinVar aggregate classification (germline): Uncertain significance (1 of 4 stars; one submission).

Conditions:
Hereditary cancer-predisposing syndrome. Also called: Neoplastic Syndromes, Hereditary; Tumor predisposition; Hereditary Cancer Syndrome; Hereditary neoplastic syndrome. Identifiers: Orphanet 140162, MedGen C0027672, MeSH D009386, MONDO:0015356.

Submission:

Ambry Genetics
Classification: Uncertain significance for Hereditary cancer-predisposing syndrome. Last evaluated: 2022-03-08. Review status: criteria provided, single submitter. Criteria: Ambry Variant Classification Scheme 2023. Collection method: clinical testing. Allele origin: germline.
Comment: The p.T128P variant (also known as c.382A>C), located in coding exon 1 of the CDKN1B gene, results from an A to C substitution at nucleotide position 382. The threonine at codon 128 is replaced by proline, an amino acid with highly similar properties. This amino acid position is conserved. In addition, this alteration is predicted to be tolerated by in silico analysis. Since supporting evidence is limited at this time, the clinical significance of this alteration remains unclear.